The following is an entry in ClinVar:

NM_021922.3(FANCE):c.1094G>A (p.Arg365Lys)

Gene: FANCE (FA complementation group E; plus strand). Cytogenetic location: 6p21.31.
Variant type: single nucleotide variant.
Coding change: c.1094G>A on transcript NM_021922.3 (MANE Select); coding-DNA position 1094, G replaced by A.
Protein change: p.Arg365Lys; replaces arginine 365 with lysine.
Molecular consequence: missense variant.
Genome position (GRCh38, 1-based): chr6:35,458,421, G>A. VCF-style: chr6-35458421-G-A. GRCh37 (hg19) VCF-style: chr6-35426198-G-A.
Other names: short protein forms R365K.
Identifiers: ClinVar variation 929579 (VCV000929579.1), dbSNP rs1767440781, ClinGen allele CA363775453.

ClinVar aggregate classification (germline): Uncertain significance (0 of 4 stars; one submission).

Conditions:
Fanconi anemia complementation group E (FANCE). Also called: FANCE-Related Fanconi Anemia. Identifiers: Orphanet 84, MedGen C3160739, MONDO:0010953, OMIM 600901.

Allele frequency attached by ClinVar (database versions not stated): gnomAD exomes below 0.00001.
gnomAD v4.1: 1 of 1,614,164 alleles (0.000062%); highest among the groups gnomAD compares: Non-Finnish European, 0.000085%; no homozygotes.

Submission:

Leiden Open Variation Database
Classification: Uncertain significance for Fanconi anemia complementation group E. Last evaluated: 2011-02-07. Review status: no assertion criteria provided. Collection method: curation. Allele origin: germline. Affected: yes.
Comment: Curator: Arleen D. Auerbach. Submitter to LOVD: Arleen D. Auerbach.

Literature cited by the submitters: PubMed 14695169.